The following is an entry in ClinVar:

NM_001371395.1(USP53):c.2210G>A (p.Arg737His)

Gene: USP53 (ubiquitin specific peptidase 53; plus strand). Cytogenetic location: 4q26.
Variant type: single nucleotide variant.
Coding change: c.2210G>A on transcript NM_001371395.1 (MANE Select); coding-DNA position 2210, G replaced by A.
Protein change: p.Arg737His; replaces arginine 737 with histidine.
Molecular consequence: missense variant.
Genome position (GRCh38, 1-based): chr4:119,273,667, G>A. VCF-style: chr4-119273667-G-A. GRCh37 (hg19) VCF-style: chr4-120194822-G-A.
Other names: c.2057G>A, p.Arg686His (NM_001371396.1, NM_001389661.1); c.2210G>A, p.Arg737His (NM_001371397.1, NM_001371398.1, NM_001371399.1 and 3 more transcripts); c.2060G>A, p.Arg687His (NM_001389660.1); c.1862G>A, p.Arg621His (NM_001389662.1, NM_001389663.1, NM_001389664.1 and 1 more transcripts); c.1709G>A, p.Arg570His (NM_001389665.1, NM_001389667.1); short protein forms R570H, R686H, R621H, R687H, R737H.
Identifiers: ClinVar variation 1917702 (VCV001917702.5), dbSNP rs766783806, ClinGen allele CA3059325.

ClinVar aggregate classification (germline): Uncertain significance (1 of 4 stars; one submission).

Allele frequency attached by ClinVar (database versions not stated): ExAC 0.00001; gnomAD 0.00001; gnomAD exomes 0.00001.

Submission:

Labcorp Genetics (formerly Invitae), Labcorp
Classification: Uncertain significance. Last evaluated: 2022-06-30. Review status: criteria provided, single submitter. Criteria: Invitae Variant Classification Sherloc (09022015). Collection method: clinical testing. Allele origin: germline.
Comment: In summary, the available evidence is currently insufficient to determine the role of this variant in disease. Therefore, it has been classified as a Variant of Uncertain Significance. Algorithms developed to predict the effect of missense changes on protein structure and function output the following: SIFT: "Tolerated"; PolyPhen-2: "Benign"; Align-GVGD: "Class C0". The histidine amino acid residue is found in multiple mammalian species, which suggests that this missense change does not adversely affect protein function. This variant has not been reported in the literature in individuals affected with USP53-related conditions. This variant is present in population databases (rs766783806, gnomAD 0.0009%). This sequence change replaces arginine, which is basic and polar, with histidine, which is basic and polar, at codon 737 of the USP53 protein (p.Arg737His).